The following is an entry in ClinVar:

NM_003966.3(SEMA5A):c.1671C>A (p.Gly557=)

Gene: SEMA5A (semaphorin 5A; minus strand). Cytogenetic location: 5p15.31.
Variant type: single nucleotide variant.
Coding change: c.1671C>A on transcript NM_003966.3 (MANE Select); coding-DNA position 1671, C replaced by A.
Protein change: p.Gly557=; no amino-acid change (glycine 557 retained).
Molecular consequence: synonymous variant.
Genome position (GRCh38, 1-based): chr5:9,122,766, G>T on the plus strand (C>A on the coding strand, the complement: SEMA5A is on the minus strand). VCF-style: chr5-9122766-G-T. GRCh37 (hg19) VCF-style: chr5-9122878-G-T.
Identifiers: ClinVar variation 732509 (VCV000732509.7), dbSNP rs144932049, ClinGen allele CA3196681.

ClinVar aggregate classification (germline): Benign. Review status: criteria provided, multiple submitters, no conflicts (2 of 4 stars). 3 submissions from 3 submitters: Benign (2). 1 of the submissions does not count toward it. Last evaluated 2019-12-31.

Conditions:
SEMA5A-related disorder. Also called: SEMA5A-related condition.

Allele frequency attached by ClinVar (database versions not stated): gnomAD exomes 0.00030 and 0.00088; ExAC 0.00111; gnomAD 0.00300 and 0.00324; 1000 Genomes Project 0.00339; TOPMed 0.00348; ESP Exome Variant Server 0.00400; 1000 Genomes Project 30x 0.00406.
gnomAD v4.1: 905 of 1,613,538 alleles (0.056%); highest among the groups gnomAD compares: African/African-American, 1.1%; 2 homozygotes.

Submissions (3):

Labcorp Genetics (formerly Invitae), Labcorp
Classification: Benign. Last evaluated: 2019-12-31. Review status: criteria provided, single submitter. Criteria: Invitae Variant Classification Sherloc (09022015). Collection method: clinical testing. Allele origin: germline.

Breakthrough Genomics
Classification: Benign. Review status: criteria provided, single submitter. Criteria: ACMG Guidelines, 2015. Collection method: not provided. Allele origin: germline. Inheritance: Unknown mechanism. Affected: yes.

PreventionGenetics, part of Exact Sciences
Classification: Benign for SEMA5A-related condition. Last evaluated: 2019-09-10. Review status: no assertion criteria provided. Collection method: clinical testing. Allele origin: germline. Not counted in ClinVar's aggregate classification.
Comment: This variant is classified as benign based on ACMG/AMP sequence variant interpretation guidelines (Richards et al. 2015 PMID: 25741868, with internal and published modifications).